The following is an entry in ClinVar:

NM_020791.4(TAOK1):c.1576-2A>T

Gene: TAOK1 (TAO kinase 1; plus strand). Cytogenetic location: 17q11.2.
Variant type: single nucleotide variant.
Coding change: c.1576-2A>T on transcript NM_020791.4 (MANE Select); the canonical splice acceptor site of the intron before coding-DNA position 1576, A replaced by T.
Molecular consequence: splice acceptor variant.
Genome position (GRCh38, 1-based): chr17:29,510,862, A>T. VCF-style: chr17-29510862-A-T. GRCh37 (hg19) VCF-style: chr17-27837880-A-T.
Other names: c.1576-2A>T (NM_025142.1).
Identifiers: ClinVar variation 3359008 (VCV003359008.2).
Genomic context (GRCh38, chr17:29,510,862, plus strand): 5'-TATATTAAACCACTACTTTATCTACTTAACTAAATTTGATTCATTTTTTAAACTTCATAT[A>T]GGCTAAAGTGATGTCCAATGAAGAGAAAAAATTTCAGCAACATATTCAGGCCCAACAGAA-3'

ClinVar aggregate classification (germline): Pathogenic (1 of 4 stars; one submission).

Conditions:
Developmental delay with or without intellectual impairment or behavioral abnormalities. Identifiers: MedGen C5562004, MONDO:0859199, OMIM 619575.

Submission:

Institute of Human Genetics, University of Leipzig Medical Center
Classification: Pathogenic for Developmental delay with or without intellectual impairment or behavioral abnormalities. Last evaluated: 2024-07-16. Review status: criteria provided, single submitter. Criteria: ACMG Guidelines, 2015. Collection method: clinical testing. Allele origin: unknown. Inheritance: Autosomal dominant inheritance. Affected: yes.
Comment: Criteria applied: PVS1,PM2